The following is an entry in ClinVar:

ClinVar aggregate classification (germline): Uncertain significance. Review status: criteria provided, multiple submitters, no conflicts (2 of 4 stars). 2 submissions from 2 submitters: Uncertain significance (2). Last evaluated 2022-07-05.

Conditions:
Hereditary cancer-predisposing syndrome. Also called: Hereditary neoplastic syndrome; Neoplastic Syndromes, Hereditary; Tumor predisposition; Hereditary Cancer Syndrome. Identifiers: Orphanet 140162, MedGen C0027672, MeSH D009386, MONDO:0015356.

Allele frequency attached by ClinVar (database versions not stated): gnomAD exomes below 0.00001.

Submissions (2):

Ambry Genetics
Classification: Uncertain significance for Hereditary cancer-predisposing syndrome. Last evaluated: 2022-07-05. Review status: criteria provided, single submitter. Criteria: Ambry Variant Classification Scheme 2023. Collection method: clinical testing. Allele origin: germline.
Comment: The p.T324I variant (also known as c.971C>T), located in coding exon 7 of the BRIP1 gene, results from a C to T substitution at nucleotide position 971. The threonine at codon 324 is replaced by isoleucine, an amino acid with similar properties. This amino acid position is conserved. In addition, this alteration is predicted to be tolerated by in silico analysis. Since supporting evidence is limited at this time, the clinical significance of this alteration remains unclear.

GeneDx
Classification: Uncertain significance. Last evaluated: 2020-12-04. Review status: criteria provided, single submitter. Criteria: GeneDx Variant Classification Process June 2021. Collection method: clinical testing. Allele origin: germline. Affected: yes.
Comment: Not observed in large population cohorts (Lek 2016); In silico analysis supports that this missense variant does not alter protein structure/function; Has not been previously published as pathogenic or benign to our knowledge

NM_032043.3(BRIP1):c.971C>T (p.Thr324Ile)

Gene: BRIP1 (BRCA1 interacting DNA helicase 1; minus strand). Cytogenetic location: 17q23.2.
Variant type: single nucleotide variant.
Coding change: c.971C>T on transcript NM_032043.3 (MANE Select); coding-DNA position 971, C replaced by T.
Protein change: p.Thr324Ile; replaces threonine 324 with isoleucine.
Molecular consequence: missense variant.
Genome position (GRCh38, 1-based): chr17:61,801,422, G>A on the plus strand (C>T on the coding strand, the complement: BRIP1 is on the minus strand). VCF-style: chr17-61801422-G-A. GRCh37 (hg19) VCF-style: chr17-59878783-G-A.
Other names: short protein forms T324I.
Identifiers: ClinVar variation 1318520 (VCV001318520.4), dbSNP rs2145340308, ClinGen allele CA400484205.
Genomic context (GRCh38, chr17:61,801,422, plus strand): 5'-CCCAGGCTGACAAGTTCTTCTATATCCCAGGCTTTGCACATCCCTTGGAAAGTCTGTAAT[G>A]TGTGCTGATCACTAATTTTATGAACTCCATGATAAAAATAGCAGGATTTTCCCTAGAAAC-3'
Protein context (NP_114432.2, residues 314-334): HGVHKISDQH[Thr324Ile]LQTFQGMCKA